The following is an entry in ClinVar:

NM_133433.4(NIPBL):c.5483G>C (p.Arg1828Pro)

Gene: NIPBL (NIPBL cohesin loading factor; plus strand). Cytogenetic location: 5p13.2.
Variant type: single nucleotide variant.
Coding change: c.5483G>C on transcript NM_133433.4 (MANE Select); coding-DNA position 5483, G replaced by C.
Protein change: p.Arg1828Pro; replaces arginine 1828 with proline.
Molecular consequence: missense variant.
Genome position (GRCh38, 1-based): chr5:37,022,299, G>C. VCF-style: chr5-37022299-G-C. GRCh37 (hg19) VCF-style: chr5-37022401-G-C.
Other names: c.5483G>C, p.Arg1828Pro (NM_001438586.1, NM_015384.5); short protein forms R1828P.
Identifiers: ClinVar variation 4526151 (VCV004526151.2).
Genomic context (GRCh38, chr5:37,022,299, plus strand): 5'-TTTAGCTTGATATGCAACGAGGTGTTCATGGACGATTGATGGATAATTCGACTAGTGTCC[G>C]AGAAGCAGCAGTAGAATTACTAGGTCGATTTGTCCTTTGTCGACCTCAGCTTGCTGAACA-3'
Protein context (NP_597677.2, residues 1818-1838): GRLMDNSTSV[Arg1828Pro]EAAVELLGRF

ClinVar aggregate classification (germline): Likely pathogenic (1 of 4 stars; one submission).

Conditions:
Cornelia de Lange syndrome 1 (CDLS1). Also called: TYPUS DEGENERATIVUS AMSTELODAMENSIS; Brachmann de Lange syndrome; NIPBL-Related Cornelia de Lange Syndrome. Identifiers: Orphanet 199, MedGen C4551851, MONDO:0007387, OMIM 122470.

Submission:

Women's Health and Genetics/Laboratory Corporation of America, LabCorp
Classification: Likely pathogenic for Cornelia de Lange syndrome 1. Last evaluated: 2026-04-30. Review status: criteria provided, single submitter. Criteria: LabCorp Variant Classification Summary - May 2015. Collection method: clinical testing. Allele origin: germline.
Comment: Variant summary: NIPBL c.5483G>C (p.Arg1828Pro) results in a non-conservative amino acid change in the encoded protein sequence. Algorithms developed to predict the effect of missense changes on protein structure and function all suggest that this variant is likely to be disruptive. The variant was absent in 251016 control chromosomes. Multiple variants located at the same codon (c.5483G>A, p.Arg1828Gln; c.5482C>G, p.Arg1828Gly) have been classified as Pathogenic/Likely Pathogenic internally, supporting a critical relevance of this residue to NIPBL protein function. To our knowledge, no experimental evidence demonstrating an impact on protein function has been reported. ClinVar contains an entry for this variant (Variation ID: 4526151). Based on the evidence outlined above, the variant was classified as likely pathogenic.